The following is an entry in ClinVar:

ClinVar aggregate classification (germline): Uncertain significance (1 of 4 stars; one submission).

Conditions:
Joubert syndrome. Also called: CEREBELLOPARENCHYMAL DISORDER IV; JOUBERT-BOLTSHAUSER SYNDROME; Familial aplasia of the vermis. Identifiers: Orphanet 475, MedGen C5979921, MONDO:0018772.
Meckel-Gruber syndrome. Also called: DYSENCEPHALIA SPLANCHNOCYSTICA; GRUBER SYNDROME; Dysencephalia splachnocystica. Identifiers: Orphanet 564, MedGen C0265215, MONDO:0018921.

Submission:

Labcorp Genetics (formerly Invitae), Labcorp
Classification: Uncertain significance for Joubert syndrome; Meckel-Gruber syndrome. Last evaluated: 2023-07-17. Review status: criteria provided, single submitter. Criteria: Invitae Variant Classification Sherloc (09022015). Collection method: clinical testing. Allele origin: germline.
Comment: In summary, the available evidence is currently insufficient to determine the role of this variant in disease. Therefore, it has been classified as a Variant of Uncertain Significance. Experimental studies and prediction algorithms are not available or were not evaluated, and the functional significance of this variant is currently unknown. ClinVar contains an entry for this variant (Variation ID: 2110514). This variant has not been reported in the literature in individuals affected with TMEM67-related conditions. This variant is not present in population databases (gnomAD no frequency). This variant, c.429_431del, results in the deletion of 1 amino acid(s) of the TMEM67 protein (p.Leu145del), but otherwise preserves the integrity of the reading frame.

NM_153704.6(TMEM67):c.429_431del (p.Leu145del)

Gene: TMEM67 (transmembrane protein 67; plus strand). Cytogenetic location: 8q22.1.
Variant type: Deletion.
Coding change: c.429_431del on transcript NM_153704.6 (MANE Select); coding-DNA positions 429 to 431, 3 bases deleted (ATT; older notation c.429_431delATT).
Protein change: p.Leu145del; deletes leucine 145.
Molecular consequence: inframe deletion. On other transcripts: non-coding transcript variant (1).
Genome position (GRCh38, 1-based): chr8:93,763,864-93,763,866, ATT deleted. VCF-style (leftmost placement, unchanged base first): chr8-93763863-CATT-C. GRCh37 (hg19) VCF-style: chr8-94776091-CATT-C.
Other names: c.186_188del, p.Leu64del (NM_001142301.1); short protein forms L145del, L64del.
Identifiers: ClinVar variation 2110514 (VCV002110514.4), dbSNP rs2536784510, ClinGen allele CA2580079056.